The following is an entry in ClinVar:

ClinVar aggregate classification (germline): Uncertain significance. Review status: criteria provided, multiple submitters, no conflicts (2 of 4 stars). 9 submissions from 7 submitters: Uncertain significance (8). 1 of the submissions does not count toward it. Last evaluated 2023-12-14.

Conditions:
Nephronophthisis. Also called: Juvenile Nephronophthisis. Identifiers: Orphanet 655, MedGen C0687120, MONDO:0019005, HP:0000090.
NPHP1-related disorder. Also called: NPHP1-related disorders; NPHP1-related condition.
Senior-Loken syndrome 1 (SLSN1). Also called: JUVENILE NEPHRONOPHTHISIS WITH LEBER AMAUROSIS. Identifiers: Orphanet 3156, MedGen C4551559, MONDO:0009962, OMIM 266900.
Joubert syndrome with renal defect. Also called: JOUBERT SYNDROME 4. Identifiers: Orphanet 220497, MedGen C1846790, MONDO:0012308, OMIM 609583.
Nephronophthisis 1 (NPHP1). Also called: Nephronophthisis familial juvenile. Identifiers: Orphanet 655, Orphanet 93592, MedGen C1855681, MONDO:0009728, OMIM 256100.

Allele frequency attached by ClinVar (database versions not stated): ExAC 0.00002; gnomAD 0.00002; gnomAD exomes 0.00002 and 0.00004; TOPMed 0.00008.
gnomAD v4.1: 34 of 1,613,516 alleles (0.0021%); highest among the groups gnomAD compares: Admixed American, 0.02%; no homozygotes.

Submissions (9):

GeneDx
Classification: Uncertain significance. Last evaluated: 2023-12-14. Review status: criteria provided, single submitter. Criteria: GeneDx Variant Classification Process June 2021. Collection method: clinical testing. Allele origin: germline. Affected: yes.
Comment: In silico analysis supports that this missense variant does not alter protein structure/function; This variant is associated with the following publications: (PMID: 23432027)

Mayo Clinic Laboratories, Mayo Clinic
Classification: Uncertain significance. Last evaluated: 2023-10-11. Review status: criteria provided, single submitter. Criteria: ACMG Guidelines, 2015. Collection method: clinical testing. Allele origin: germline. Observed: 1 variant allele.
Comment: BP4, PM2_moderate

Labcorp Genetics (formerly Invitae), Labcorp
Classification: Uncertain significance for Nephronophthisis. Last evaluated: 2022-07-27. Review status: criteria provided, single submitter. Criteria: Invitae Variant Classification Sherloc (09022015). Collection method: clinical testing. Allele origin: germline.
Comment: This sequence change replaces glycine, which is neutral and non-polar, with serine, which is neutral and polar, at codon 154 of the NPHP1 protein (p.Gly154Ser). This variant is present in population databases (rs769509705, gnomAD 0.02%). This variant has not been reported in the literature in individuals affected with NPHP1-related conditions. ClinVar contains an entry for this variant (Variation ID: 594808). Algorithms developed to predict the effect of missense changes on protein structure and function output the following: SIFT: "Tolerated"; PolyPhen-2: "Benign"; Align-GVGD: "Class C0". The serine amino acid residue is found in multiple mammalian species, which suggests that this missense change does not adversely affect protein function. Algorithms developed to predict the effect of sequence changes on RNA splicing suggest that this variant may create or strengthen a splice site. In summary, the available evidence is currently insufficient to determine the role of this variant in disease. Therefore, it has been classified as a Variant of Uncertain Significance.

Fulgent Genetics
Classification: Uncertain significance for Nephronophthisis 1; Senior-Loken syndrome 1; Joubert syndrome with renal defect. Last evaluated: 2022-05-21. Review status: criteria provided, single submitter. Criteria: ACMG Guidelines, 2015. Collection method: clinical testing. Allele origin: unknown.

Illumina Laboratory Services, Illumina
Classification: Uncertain significance for Senior-Loken syndrome 1. Last evaluated: 2018-01-13. Review status: criteria provided, single submitter. Criteria: ICSL Variant Classification Criteria 13 December 2019. Collection method: clinical testing. Allele origin: germline.

Illumina Laboratory Services, Illumina
Classification: Uncertain significance for Joubert syndrome with renal defect. Last evaluated: 2018-01-13. Review status: criteria provided, single submitter. Criteria: ICSL Variant Classification Criteria 13 December 2019. Collection method: clinical testing. Allele origin: germline.

Illumina Laboratory Services, Illumina
Classification: Uncertain significance for Nephronophthisis 1. Last evaluated: 2018-01-13. Review status: criteria provided, single submitter. Criteria: ICSL Variant Classification Criteria 13 December 2019. Collection method: clinical testing. Allele origin: germline.

Eurofins Ntd Llc (ga)
Classification: Uncertain significance. Last evaluated: 2017-11-07. Review status: criteria provided, single submitter. Criteria: EGL Classification Definitions 2015. Collection method: clinical testing. Allele origin: germline. Observed: 1 variant allele, 1 heterozygote.

PreventionGenetics, part of Exact Sciences
Classification: Uncertain significance for NPHP1-related condition. Last evaluated: 2024-07-23. Review status: no assertion criteria provided. Collection method: clinical testing. Allele origin: germline. Not counted in ClinVar's aggregate classification.
Comment: The NPHP1 c.460G>A variant is predicted to result in the amino acid substitution p.Gly154Ser. To our knowledge, this variant has not been reported in the literature. This variant is reported in 0.016% of alleles in individuals of East Asian descent in gnomAD. At this time, the clinical significance of this variant is uncertain due to the absence of conclusive functional and genetic evidence.

NM_001128178.3(NPHP1):c.460G>A (p.Gly154Ser)

Gene: NPHP1 (nephrocystin 1; minus strand). Cytogenetic location: 2q13.
Variant type: single nucleotide variant.
Coding change: c.460G>A on transcript NM_001128178.3 (MANE Select); coding-DNA position 460, G replaced by A.
Protein change: p.Gly154Ser; replaces glycine 154 with serine.
Molecular consequence: missense variant.
Genome position (GRCh38, 1-based): chr2:110,169,868, C>T on the plus strand (G>A on the coding strand, the complement: NPHP1 is on the minus strand). VCF-style: chr2-110169868-C-T. GRCh37 (hg19) VCF-style: chr2-110927445-C-T.
Other names: p.Gly154Ser; c.460G>A, p.Gly154Ser (NM_000272.5, NM_001374256.1, NM_001374257.1 and 1 more transcripts); c.274G>A, p.Gly92Ser (NM_001128179.3); short protein forms G154S, G92S.
Identifiers: ClinVar variation 594808 (VCV000594808.17), dbSNP rs769509705, ClinGen allele CA1827387.